The following is an entry in ClinVar:

NM_015272.5(RPGRIP1L):c.2519A>G (p.Asp840Gly)

Gene: RPGRIP1L (RPGRIP1 like; minus strand). Cytogenetic location: 16q12.2.
Variant type: single nucleotide variant.
Coding change: c.2519A>G on transcript NM_015272.5 (MANE Select); coding-DNA position 2519, A replaced by G.
Protein change: p.Asp840Gly; replaces aspartic acid 840 with glycine.
Molecular consequence: missense variant.
Genome position (GRCh38, 1-based): chr16:53,645,789, T>C on the plus strand (A>G on the coding strand, the complement: RPGRIP1L is on the minus strand). VCF-style: chr16-53645789-T-C. GRCh37 (hg19) VCF-style: chr16-53679701-T-C.
Other names: c.2519A>G, p.Asp840Gly (NM_001127897.4, NM_001308334.3, NM_001330538.2); short protein forms D840G.
Identifiers: ClinVar variation 969342 (VCV000969342.10), dbSNP rs949487941, ClinGen allele CA281339187.

ClinVar aggregate classification (germline): Uncertain significance (1 of 4 stars; one submission).

Conditions:
Meckel-Gruber syndrome. Also called: Dysencephalia splachnocystica; DYSENCEPHALIA SPLANCHNOCYSTICA; GRUBER SYNDROME. Identifiers: Orphanet 564, MedGen C0265215, MONDO:0018921.
Joubert syndrome. Also called: Familial aplasia of the vermis; CEREBELLOPARENCHYMAL DISORDER IV; JOUBERT-BOLTSHAUSER SYNDROME. Identifiers: Orphanet 475, MedGen C5979921, MONDO:0018772.

Allele frequency attached by ClinVar (database versions not stated): TOPMed below 0.00001; gnomAD 0.00001.
gnomAD v4.1: 1 of 1,614,012 alleles (0.000062%); highest among the groups gnomAD compares: African/African-American, 0.0013%; no homozygotes.

Submission:

Labcorp Genetics (formerly Invitae), Labcorp
Classification: Uncertain significance for Joubert syndrome; Meckel-Gruber syndrome. Last evaluated: 2022-06-20. Review status: criteria provided, single submitter. Criteria: Invitae Variant Classification Sherloc (09022015). Collection method: clinical testing. Allele origin: germline.
Comment: In summary, the available evidence is currently insufficient to determine the role of this variant in disease. Therefore, it has been classified as a Variant of Uncertain Significance. Algorithms developed to predict the effect of missense changes on protein structure and function are either unavailable or do not agree on the potential impact of this missense change (SIFT: "Deleterious"; PolyPhen-2: "Probably Damaging"; Align-GVGD: "Class C0"). ClinVar contains an entry for this variant (Variation ID: 969342). This variant has not been reported in the literature in individuals affected with RPGRIP1L-related conditions. This variant is not present in population databases (gnomAD no frequency). This sequence change replaces aspartic acid, which is acidic and polar, with glycine, which is neutral and non-polar, at codon 840 of the RPGRIP1L protein (p.Asp840Gly).